The following is an entry in ClinVar:

ClinVar aggregate classification (germline): Pathogenic. Review status: criteria provided, multiple submitters, no conflicts (2 of 4 stars). 2 submissions from 2 submitters: Pathogenic (2). Last evaluated 2021-05-06.

Conditions:
Combined oxidative phosphorylation defect type 24. Also called: Combined oxidative phosphorylation deficiency 24. Identifiers: Orphanet 444458, MedGen C4015643, MONDO:0014547, OMIM 616239.

Allele frequency attached by ClinVar (database versions not stated): TOPMed 0.00002; gnomAD exomes 0.00001; gnomAD 0.00006.
gnomAD v4.1: 12 of 1,610,992 alleles (0.00074%); highest among the groups gnomAD compares: East Asian, 0.0022%; no homozygotes.

Submissions (2):

Institute of Human Genetics Munich, TUM University Hospital
Classification: Pathogenic for Combined oxidative phosphorylation defect type 24. Last evaluated: 2021-05-06. Review status: criteria provided, single submitter. Criteria: Classification criteria August 2017. Collection method: clinical testing. Allele origin: paternal. Inheritance: Autosomal recessive inheritance. Affected: yes. Observed: 1 variant allele.

GeneDx
Classification: Pathogenic. Last evaluated: 2019-08-05. Review status: criteria provided, single submitter. Criteria: GeneDx Variant Classification Process June 2021. Collection method: clinical testing. Allele origin: germline. Affected: yes.
Comment: Nonsense variant predicted to result in protein truncation or nonsense mediated decay in a gene for which loss-of-function is a known mechanism of disease; Not observed at a significant frequency in large population cohorts (Lek et al., 2016); Has not been previously published as pathogenic or benign to our knowledge

NM_024678.6(NARS2):c.418C>T (p.Arg140Ter)

Gene: NARS2 (asparaginyl-tRNA synthetase 2, mitochondrial; minus strand). Cytogenetic location: 11q14.1.
Variant type: single nucleotide variant.
Coding change: c.418C>T on transcript NM_024678.6 (MANE Select); coding-DNA position 418, C replaced by T.
Protein change: p.Arg140Ter; replaces arginine 140 with a stop codon.
Molecular consequence: nonsense. On other transcripts: 5 prime UTR variant (1).
Genome position (GRCh38, 1-based): chr11:78,566,227, G>A on the plus strand (C>T on the coding strand, the complement: NARS2 is on the minus strand). VCF-style: chr11-78566227-G-A. GRCh37 (hg19) VCF-style: chr11-78277273-G-A.
Other names: c.-264C>T (NM_001243251.2); short protein forms R140*.
Identifiers: ClinVar variation 391671 (VCV000391671.5), dbSNP rs1057524183, ClinGen allele CA16606341.
Genomic context (GRCh38, chr11:78,566,227, plus strand): 5'-TGCGAATCCTCAATATAGAACCCAGAACGTTAGTCCTACACCTAAAGTGAGGATATTGTC[G>A]CAGATACTCCAGAGGATGCCTCTCTTTATATTTGATGGGGAAATCCTGCCAATAAATGAA-3'